The following is an entry in ClinVar:

NM_014049.5(ACAD9):c.1654C>T (p.Arg552Cys)

Genes: ACAD9 (acyl-CoA dehydrogenase family member 9; plus strand), CFAP92 (cilia and flagella associated protein 92 (putative); minus strand). Cytogenetic location: 3q21.3.
Variant type: single nucleotide variant.
Coding change: c.1654C>T on transcript NM_014049.5 (MANE Select); coding-DNA position 1654, C replaced by T.
Protein change: p.Arg552Cys; replaces arginine 552 with cysteine.
Molecular consequence: missense variant. On other transcripts: non-coding transcript variant (1), 3 prime UTR variant (3).
Genome position (GRCh38, 1-based): chr3:128,910,111, C>T. VCF-style: chr3-128910111-C-T. GRCh37 (hg19) VCF-style: chr3-128628954-C-T.
Other names: c.1285C>T, p.Arg429Cys (NM_001410805.1); c.*188G>A (NM_001348520.2, NM_001348521.2, NM_001394090.1); short protein forms R552C, R429C.
Identifiers: ClinVar variation 2080127 (VCV002080127.1), dbSNP rs371908825, ClinGen allele CA2601636.

ClinVar aggregate classification (germline): Uncertain significance (1 of 4 stars; one submission).

Allele frequency attached by ClinVar (database versions not stated): gnomAD exomes 0.00001; gnomAD 0.00003; ExAC 0.00004; TOPMed 0.00004; ESP Exome Variant Server 0.00008.
gnomAD v4.1: 20 of 1,613,866 alleles (0.0012%); highest among the groups gnomAD compares: African/African-American, 0.0067%; no homozygotes.

Submission:

Labcorp Genetics (formerly Invitae), Labcorp
Classification: Uncertain significance. Last evaluated: 2022-03-12. Review status: criteria provided, single submitter. Criteria: Invitae Variant Classification Sherloc (09022015). Collection method: clinical testing. Allele origin: germline.
Comment: This sequence change replaces arginine, which is basic and polar, with cysteine, which is neutral and slightly polar, at codon 552 of the ACAD9 protein (p.Arg552Cys). This variant is present in population databases (rs371908825, gnomAD 0.02%). This variant has not been reported in the literature in individuals affected with ACAD9-related conditions. Algorithms developed to predict the effect of missense changes on protein structure and function output the following: SIFT: "Deleterious"; PolyPhen-2: "Probably Damaging"; Align-GVGD: "Class C25". The cysteine amino acid residue is found in multiple mammalian species, which suggests that this missense change does not adversely affect protein function. In summary, the available evidence is currently insufficient to determine the role of this variant in disease. Therefore, it has been classified as a Variant of Uncertain Significance.